The following continues an entry in ClinVar:

NM_000142.5(FGFR3):c.1138G>C (p.Gly380Arg)

Gene: FGFR3. ClinVar aggregate classification (germline): Pathogenic. Pathogenic (12).

Submissions 11 to 15 of 15:

Juno Genomics, Hangzhou Juno Genomics, Inc
Classification: Pathogenic for Achondroplasia. Review status: criteria provided, single submitter. Criteria: ACMG Guidelines, 2015. Collection method: clinical testing. Allele origin: germline. Affected: yes.
Comment: Absent from controls (or at extremely low frequency if recessive) in Genome Aggregation Database, Exome Sequencing Project, 1000 Genomes Project, or Exome Aggregation Consortium.;The prevalence of the variant in affected individuals is significantly increased compared to the prevalence in controls.;Well-established in vitro or in vivo functional studies supportive of a damaging effect on the gene or gene product.;Same amino acid change as a previously established pathogenic variant regardless of nucleotide change.;Patient's phenotype or family history is highly specific for a disease with a single genetic etiology.

Neuberg Centre For Genomic Medicine, NCGM
Classification: Pathogenic for Achondroplasia. Review status: criteria provided, single submitter. Criteria: ACMG Guidelines, 2015. Collection method: clinical testing. Allele origin: germline. Inheritance: Autosomal dominant inheritance. Affected: yes.

PreventionGenetics, part of Exact Sciences
Classification: Pathogenic for FGFR3-related condition. Last evaluated: 2024-08-23. Review status: no assertion criteria provided. Collection method: clinical testing. Allele origin: germline. Not counted in ClinVar's aggregate classification.
Comment: The FGFR3 c.1138G>C variant is predicted to result in the amino acid substitution p.Gly380Arg. The p.Gly380Arg variant has been well documented to be causative for autosomal dominant achondroplasia (see examples: Shiang et al. 1994. PubMed ID: 7913883; Bellus et al. 1995. PubMed ID: 7847369). This variant has not been reported in gnomAD, indicating this variant is rare. This variant is interpreted as pathogenic.

OMIM
Classification: Pathogenic for ACHONDROPLASIA. Last evaluated: 1994-09-15. Review status: no assertion criteria provided. Collection method: literature only. Allele origin: germline. Not counted in ClinVar's aggregate classification.

GeneReviews
No classification provided. Condition: Hypochondroplasia. Review status: no classification provided. Collection method: literature only. Allele origin: germline. Not counted in ClinVar's aggregate classification.
Comment: Common pathogenic variant in achondroplasia

Literature cited by the submitters: PubMed 33368972 (cited by Genomenon, Inc); PubMed 28230213 (cited by Genomenon, Inc); PubMed 10587515 (cited by Genomenon, Inc); PubMed 8754806 (cited by Genomenon, Inc); PubMed 23056398 (cited by Genomenon, Inc); PubMed 36316869 (cited by Genomenon, Inc); PubMed 34430961 (cited by Genomenon, Inc); PubMed 33942288 (cited by Genomenon, Inc); PubMed 32502767 (cited by Genomenon, Inc); PubMed 31218223 (cited by Genomenon, Inc); PubMed 29681095 (cited by Genomenon, Inc); PubMed 11556601 (cited by Genomenon, Inc); PubMed 16475234 (cited by Genomenon, Inc); PubMed 21739570 (cited by Genomenon, Inc and Labcorp Genetics (formerly Invitae), Labcorp); PubMed 25691418 (cited by Genomenon, Inc and Labcorp Genetics (formerly Invitae), Labcorp); PubMed 25614871 (cited by 4 submitters); PubMed 41062690 (cited by Genomenon, Inc); PubMed 33511985 (cited by Genomenon, Inc); PubMed 23726269 (cited by Genomenon, Inc); PubMed 31476288 (cited by Genomenon, Inc); PubMed 30681580 (cited by Genomenon, Inc); PubMed 9452043 (cited by Genomenon, Inc); PubMed 9677066 (cited by Genomenon, Inc); PubMed 10670894 (cited by Genomenon, Inc); PubMed 10861287 (cited by Genomenon, Inc); PubMed 11181569 (cited by Genomenon, Inc); PubMed 11406607 (cited by Genomenon, Inc); PubMed 11426459 (cited by Genomenon, Inc); PubMed 22016144 (cited by Genomenon, Inc); PubMed 24411048 (cited by Genomenon, Inc); PubMed 25119967 (cited by Genomenon, Inc); PubMed 21536014 (cited by Genomenon, Inc); PubMed 10053006 (cited by Genomenon, Inc); PubMed 23437153 (cited by Genomenon, Inc); PubMed 8723101 (cited by Labcorp Genetics (formerly Invitae), Labcorp); PubMed 22045636 (cited by Labcorp Genetics (formerly Invitae), Labcorp); PubMed 22339077 (cited by Labcorp Genetics (formerly Invitae), Labcorp); PubMed 17256796 (cited by 3billion); PubMed 17033969 (cited by Victorian Clinical Genetics Services, Murdoch Childrens Research Institute); PubMed 17320202 (cited by Victorian Clinical Genetics Services, Murdoch Childrens Research Institute); PubMed 24864036 (cited by Victorian Clinical Genetics Services, Murdoch Childrens Research Institute); PubMed 8078586 (cited by OMIM); NCBI Bookshelf NBK1477 (cited by GeneReviews).